The following is an entry in ClinVar:

NM_000256.3(MYBPC3):c.209A>C (p.Glu70Ala)

Gene: MYBPC3 (myosin binding protein C3; minus strand). Cytogenetic location: 11p11.2.
Variant type: single nucleotide variant.
Coding change: c.209A>C on transcript NM_000256.3 (MANE Select); coding-DNA position 209, A replaced by C.
Protein change: p.Glu70Ala; replaces glutamic acid 70 with alanine.
Molecular consequence: missense variant.
Genome position (GRCh38, 1-based): chr11:47,351,322, T>G on the plus strand (A>C on the coding strand, the complement: MYBPC3 is on the minus strand). VCF-style: chr11-47351322-T-G. GRCh37 (hg19) VCF-style: chr11-47372873-T-G.
Other names: short protein forms E70A.
Identifiers: ClinVar variation 1717416 (VCV001717416.5), dbSNP rs2142869503, ClinGen allele CA380341714.
Genomic context (GRCh38, chr11:47,351,322, plus strand): 5'-AACTTGACCTTGGAGGAGCCAGCAATGACTGCGTAAGATCCCTGGTCGGCAGGGCCCACT[T>G]CCCGCACTGTCAGCGTATGCCGTGTGCCCTCTGTGGCCAGGCCGTACTTGTTGCTGGCGC-3'
Protein context (NP_000247.2, residues 60-80): EGTRHTLTVR[Glu70Ala]VGPADQGSYA

ClinVar aggregate classification (germline): Uncertain significance (1 of 4 stars; one submission).

Conditions:
Hypertrophic cardiomyopathy. Also called: HYPERTROPHIC MYOCARDIOPATHY. Identifiers: Orphanet 217569, MedGen C0007194, MeSH D002312, MONDO:0005045, HP:0001639.

Submission:

Labcorp Genetics (formerly Invitae), Labcorp
Classification: Uncertain significance for Hypertrophic cardiomyopathy. Last evaluated: 2022-08-21. Review status: criteria provided, single submitter. Criteria: Invitae Variant Classification Sherloc (09022015). Collection method: clinical testing. Allele origin: germline.
Comment: In summary, the available evidence is currently insufficient to determine the role of this variant in disease. Therefore, it has been classified as a Variant of Uncertain Significance. Algorithms developed to predict the effect of missense changes on protein structure and function are either unavailable or do not agree on the potential impact of this missense change (SIFT: "Tolerated"; PolyPhen-2: "Benign"; Align-GVGD: "Class C25"). This variant has not been reported in the literature in individuals affected with MYBPC3-related conditions. This variant is not present in population databases (gnomAD no frequency). This sequence change replaces glutamic acid, which is acidic and polar, with alanine, which is neutral and non-polar, at codon 70 of the MYBPC3 protein (p.Glu70Ala).